The following is an entry in ClinVar:

NM_005732.4(RAD50):c.3219G>C (p.Leu1073Phe)

Gene: RAD50 (RAD50 double strand break repair protein; plus strand). Cytogenetic location: 5q31.1.
Variant type: single nucleotide variant.
Coding change: c.3219G>C on transcript NM_005732.4 (MANE Select); coding-DNA position 3219, G replaced by C.
Protein change: p.Leu1073Phe; replaces leucine 1073 with phenylalanine.
Molecular consequence: missense variant.
Genome position (GRCh38, 1-based): chr5:132,618,124, G>C. VCF-style: chr5-132618124-G-C. GRCh37 (hg19) VCF-style: chr5-131953816-G-C.
Other names: short protein forms L1073F.
Identifiers: ClinVar variation 823228 (VCV000823228.4), dbSNP rs78222292, ClinGen allele CA360964377.
Genomic context (GRCh38, chr5:132,618,124, plus strand): 5'-TTACAGTGAACATCAGAAGTTGGAAGAGAACATAGACAATATAAAAAGAAATCATAATTT[G>C]GCATTAGGGCGACAGAAAGGTTATGAAGAAGAAATTATTCATTTTAAGAAAGAACTTCGA-3'
Protein context (NP_005723.2, residues 1063-1083): NIDNIKRNHN[Leu1073Phe]ALGRQKGYEE

ClinVar aggregate classification (germline): Uncertain significance (1 of 4 stars; one submission).

Conditions:
Hereditary cancer-predisposing syndrome. Also called: Tumor predisposition; Hereditary Cancer Syndrome; Neoplastic Syndromes, Hereditary; Hereditary neoplastic syndrome. Identifiers: Orphanet 140162, MedGen C0027672, MeSH D009386, MONDO:0015356.

Submission:

Ambry Genetics
Classification: Uncertain significance for Hereditary cancer-predisposing syndrome. Last evaluated: 2018-02-21. Review status: criteria provided, single submitter. Criteria: Ambry Variant Classification Scheme 2023. Collection method: clinical testing. Allele origin: germline.
Comment: The p.L1073F variant (also known as c.3219G>C), located in coding exon 21 of the RAD50 gene, results from a G to C substitution at nucleotide position 3219. The leucine at codon 1073 is replaced by phenylalanine, an amino acid with highly similar properties. This amino acid position is not well conserved in available vertebrate species. In addition, this alteration is predicted to be tolerated by in silico analysis. Since supporting evidence is limited at this time, the clinical significance of this alteration remains unclear.